The following is an entry in ClinVar:

NC_012920.1:m.235A>G

Variant type: single nucleotide variant.
Genome position: chrM-235-A-G.
Identifiers: ClinVar variation 1344497 (VCV001344497.3), dbSNP rs3937037, ClinGen allele CA337095788.
Genomic context (GRCh38, chrMT:235, plus strand): 5'-AATATTACAGGCGAACATACTTACTAAAGTGTGTTAATTAATTAATGCTTGTAGGACATA[A>G]TAATAACAATTGAATGTCTGCACAGCCACTTTCCACACAGACATCATAACAAAAAATTTC-3'

ClinVar aggregate classification (germline): Benign. Review status: criteria provided, single submitter (1 of 4 stars). 2 submissions from 2 submitters: Benign (1). 1 of the submissions does not count toward it. Last evaluated 2025-02-07.

Conditions:
Mitochondrial inheritance. Identifiers: MedGen C0887941, HP:0001427.
Leber optic atrophy (LHON). Also called: Optic Atrophy, Hereditary, Leber; Leber hereditary optic neuropathy; Leber's disease; Leber's optic atrophy. Identifiers: Orphanet 104, MedGen C0917796, MONDO:0010788, OMIM 535000, HP:0001112.

Submissions (2):

Mendelics
Classification: Benign for Leber optic atrophy. Last evaluated: 2025-02-07. Review status: criteria provided, single submitter. Criteria: ACMG Guidelines, 2015. Collection method: clinical testing. Allele origin: unknown.
Comment: This variant is considered likely benign or benign based on one or more of the following: it is predicted to be benign by multiple in silico algorithms, and/or has population frequency not consistent with disease, and/or has normal protein function, and/or has lack of segregation with disease, and/or has been detected in co-occurrence with known pathogenic variant, and/or has lack of disease association in case-control studies, and/or is located in a region inconsistent with a known cause of pathogenicity. GnomAD 4.1.0 frequency 0.04900 homoplsmic/9 heteroplasmic

Department of Pediatrics, Division of Medical Genetics, Faculty of Medicine Ramathibodi Hospital, Mahidol University
Classification: Uncertain significance for Mitochondrial inheritance. Review status: no assertion criteria provided. Collection method: research. Allele origin: maternal. Inheritance: Mitochondrial inheritance. Affected: yes. Not counted in ClinVar's aggregate classification.